The following is an entry in ClinVar:

ClinVar aggregate classification (germline): Conflicting classifications of pathogenicity. Review status: criteria provided, conflicting classifications (1 of 4 stars). 4 submissions from 4 submitters: Uncertain significance (3); Likely benign (1). Last evaluated 2025-12-03.

Conditions:
Inborn genetic diseases. Identifiers: MedGen C0950123, MeSH D030342.
Myopathy, proximal, and ophthalmoplegia (CMYO6). Also called: INCLUSION BODY MYOPATHY 3, AUTOSOMAL DOMINANT; MYOPATHY WITH CONGENITAL JOINT CONTRACTURES, OPHTHALMOPLEGIA, AND RIMMED VACUOLES; CONGENITAL MYOPATHY 6 WITH OPHTHALMOPLEGIA. Identifiers: Orphanet 363677, Orphanet 79091, MedGen C1854106, MONDO:0011577, OMIM 605637.

Allele frequency attached by ClinVar (database versions not stated): TOPMed 0.00009; gnomAD 0.00015 and 0.00016; gnomAD exomes 0.00022 and 0.00038; ESP Exome Variant Server 0.00031; ExAC 0.00053.
gnomAD v4.1: 366 of 1,613,996 alleles (0.023%); highest among the groups gnomAD compares: Non-Finnish European, 0.022%; 2 homozygotes.

Submissions (4):

Labcorp Genetics (formerly Invitae), Labcorp
Classification: Likely benign for Myopathy, proximal, and ophthalmoplegia. Last evaluated: 2025-12-03. Review status: criteria provided, single submitter. Criteria: Invitae Variant Classification Sherloc (09022015). Collection method: clinical testing. Allele origin: germline.

Ambry Genetics
Classification: Uncertain significance for Inborn genetic diseases. Last evaluated: 2025-10-30. Review status: criteria provided, single submitter. Criteria: Ambry Variant Classification Scheme 2023. Collection method: clinical testing. Allele origin: germline.

GeneDx
Classification: Uncertain significance. Last evaluated: 2019-11-12. Review status: criteria provided, single submitter. Criteria: GeneDx Variant Classification Process June 2021. Collection method: clinical testing. Allele origin: germline. Affected: yes.
Comment: Has not been previously published as pathogenic or benign to our knowledge; In silico analysis, which includes protein predictors and evolutionary conservation, supports a deleterious effect

Mayo Clinic Laboratories, Mayo Clinic
Classification: Uncertain significance. Last evaluated: 2019-10-20. Review status: criteria provided, single submitter. Criteria: ACMG Guidelines, 2015. Collection method: clinical testing. Allele origin: germline. Observed: 1 variant allele.

NM_017534.6(MYH2):c.3029A>G (p.Gln1010Arg)

Genes: MYHAS (myosin heavy chain gene cluster antisense RNA; plus strand), MYH2 (myosin heavy chain 2; minus strand). Cytogenetic location: 17p13.1.
Variant type: single nucleotide variant.
Coding change: c.3029A>G on transcript NM_017534.6 (MANE Select); coding-DNA position 3029, A replaced by G.
Protein change: p.Gln1010Arg; replaces glutamine 1010 with arginine.
Molecular consequence: missense variant.
Genome position (GRCh38, 1-based): chr17:10,529,652, T>C on the plus strand (A>G on the coding strand, the complement: MYH2 is on the minus strand). VCF-style: chr17-10529652-T-C. GRCh37 (hg19) VCF-style: chr17-10432969-T-C.
Other names: c.3029A>G, p.Gln1010Arg (NM_001100112.2); short protein forms Q1010R.
Identifiers: ClinVar variation 566418 (VCV000566418.13), dbSNP rs148961199, ClinGen allele CA8391019.